The following is an entry in ClinVar:

NM_001198950.3(MYO16):c.5390G>T (p.Arg1797Ile)

Gene: MYO16 (myosin XVI; plus strand). Cytogenetic location: 13q33.3.
Variant type: single nucleotide variant.
Coding change: c.5390G>T on transcript NM_001198950.3 (MANE Select); coding-DNA position 5390, G replaced by T.
Protein change: p.Arg1797Ile; replaces arginine 1797 with isoleucine.
Molecular consequence: missense variant.
Genome position (GRCh38, 1-based): chr13:109,179,608, G>T. VCF-style: chr13-109179608-G-T. GRCh37 (hg19) VCF-style: chr13-109831956-G-T.
Other names: c.5324G>T, p.Arg1775Ile (NM_015011.3); short protein forms R1775I, R1797I.
Identifiers: ClinVar variation 2630175 (VCV002630175.1), dbSNP rs2502499854, ClinGen allele CA388720039.

ClinVar aggregate classification (germline): Uncertain significance (1 of 4 stars; one submission).

Conditions:
MYO16-related disorder. Also called: MYO16-related condition.

Submission:

PreventionGenetics, part of Exact Sciences
Classification: Uncertain significance for MYO16-related condition. Last evaluated: 2023-03-14. Review status: criteria provided, single submitter. Criteria: ACMG Guidelines, 2015. Collection method: clinical testing. Allele origin: germline.
Comment: The MYO16 c.5390G>T variant is predicted to result in the amino acid substitution p.Arg1797Ile. To our knowledge, this variant has not been reported in the literature or in a large population database, indicating this variant is rare. At this time, the clinical significance of this variant is uncertain due to the absence of conclusive functional and genetic evidence.